The following is an entry in ClinVar:

ClinVar aggregate classification (germline): Likely benign (0 of 4 stars; one submission).

Conditions:
ATP13A4-related disorder. Also called: ATP13A4-related condition.

Allele frequency attached by ClinVar (database versions not stated): gnomAD exomes below 0.00001; ExAC 0.00001; gnomAD 0.00001; 1000 Genomes Project 30x 0.00016; 1000 Genomes Project 0.00020.
gnomAD v4.1: 4 of 1,614,144 alleles (0.00025%); highest among the groups gnomAD compares: East Asian, 0.0045%; no homozygotes.

Submission:

PreventionGenetics, part of Exact Sciences
Classification: Likely benign for ATP13A4-related condition. Last evaluated: 2019-09-10. Review status: no assertion criteria provided. Collection method: clinical testing. Allele origin: germline.
Comment: This variant is classified as likely benign based on ACMG/AMP sequence variant interpretation guidelines (Richards et al. 2015 PMID: 25741868, with internal and published modifications).

NM_032279.4(ATP13A4):c.2083T>C (p.Leu695=)

Gene: ATP13A4 (ATPase 13A4; minus strand). Cytogenetic location: 3q29.
Variant type: single nucleotide variant.
Coding change: c.2083T>C on transcript NM_032279.4 (MANE Select); coding-DNA position 2083, T replaced by C.
Protein change: p.Leu695=; no amino-acid change (leucine 695 retained).
Molecular consequence: synonymous variant.
Genome position (GRCh38, 1-based): chr3:193,448,275, A>G on the plus strand (T>C on the coding strand, the complement: ATP13A4 is on the minus strand). VCF-style: chr3-193448275-A-G. GRCh37 (hg19) VCF-style: chr3-193166064-A-G.
Identifiers: ClinVar variation 3043489 (VCV003043489.2), dbSNP rs543094231, ClinGen allele CA2758182.